The following is an entry in ClinVar:

NM_001868.4(CPA1):c.428T>A (p.Val143Asp)

Gene: CPA1 (carboxypeptidase A1; plus strand). Cytogenetic location: 7q32.2.
Variant type: single nucleotide variant.
Coding change: c.428T>A on transcript NM_001868.4 (MANE Select); coding-DNA position 428, T replaced by A.
Protein change: p.Val143Asp; replaces valine 143 with aspartic acid.
Molecular consequence: missense variant.
Genome position (GRCh38, 1-based): chr7:130,382,154, T>A. VCF-style: chr7-130382154-T-A. GRCh37 (hg19) VCF-style: chr7-130021995-T-A.
Other names: c.428T>A (NM_001868.3); short protein forms V143D.
Identifiers: ClinVar variation 1739421 (VCV001739421.9), dbSNP rs1554411316, ClinGen allele CA369280980.

ClinVar aggregate classification (germline): Uncertain significance. Review status: criteria provided, multiple submitters, no conflicts (2 of 4 stars). 3 submissions from 3 submitters: Uncertain significance (3). Last evaluated 2026-07-10.

Conditions:
CPA1-related disorder. Also called: CPA1-related condition.
Hereditary pancreatitis (PCTT). Also called: PRSS1-Related Hereditary Pancreatitis; Hereditary chronic pancreatitis. Identifiers: Orphanet 676, MedGen C0238339, MONDO:0008185, OMIM 167800.

Allele frequency attached by ClinVar (database versions not stated): gnomAD exomes below 0.00001; TOPMed below 0.00001.

Submissions (3):

PreventionGenetics, part of Exact Sciences
Classification: Uncertain significance for CPA1-related condition. Last evaluated: 2026-07-10. Review status: criteria provided, single submitter. Criteria: ACMG Guidelines, 2015. Collection method: clinical testing. Allele origin: germline.
Comment: The CPA1 c.428T>A variant is predicted to result in the amino acid substitution p.Val143Asp. To our knowledge, this variant has not been reported in the literature. This variant is reported in 0.0029% of alleles in individuals of Latino descent in gnomAD. At this time, the clinical significance of this variant is uncertain due to the absence of conclusive functional and genetic evidence.

Ambry Genetics
Classification: Uncertain significance for Hereditary pancreatitis. Last evaluated: 2024-08-15. Review status: criteria provided, single submitter. Criteria: Ambry Variant Classification Scheme 2023. Collection method: clinical testing. Allele origin: germline.
Comment: The p.V143D variant (also known as c.428T>A), located in coding exon 4 of the CPA1 gene, results from a T to A substitution at nucleotide position 428. The valine at codon 143 is replaced by aspartic acid, an amino acid with highly dissimilar properties. This amino acid position is conserved. In addition, the in silico prediction for this alteration is inconclusive. Since supporting evidence is limited at this time, the clinical significance of this alteration remains unclear.

Labcorp Genetics (formerly Invitae), Labcorp
Classification: Uncertain significance. Last evaluated: 2021-12-02. Review status: criteria provided, single submitter. Criteria: Invitae Variant Classification Sherloc (09022015). Collection method: clinical testing. Allele origin: germline.
Comment: This sequence change replaces valine, which is neutral and non-polar, with aspartic acid, which is acidic and polar, at codon 143 of the CPA1 protein (p.Val143Asp). This variant is present in population databases (no rsID available, gnomAD 0.003%). This variant has not been reported in the literature in individuals affected with CPA1-related conditions. Algorithms developed to predict the effect of missense changes on protein structure and function (SIFT, PolyPhen-2, Align-GVGD) all suggest that this variant is likely to be disruptive. In summary, the available evidence is currently insufficient to determine the role of this variant in disease. Therefore, it has been classified as a Variant of Uncertain Significance.